The following is an entry in ClinVar:

ClinVar aggregate classification (germline): Uncertain significance (1 of 4 stars; one submission).

Conditions:
Retinoblastoma (RB1). Also called: RETINOBLASTOMA, SOMATIC. Identifiers: Orphanet 790, MedGen C0035335, MeSH D012175, MONDO:0008380, OMIM 180200, HP:0009919. Disease mechanism: loss of function. Inheritance: Both sporadic and heritable forms are tested..

Allele frequency attached by ClinVar (database versions not stated): gnomAD exomes below 0.00001; ExAC 0.00001.
gnomAD v4.1: 1 of 1,611,628 alleles (0.000062%); no homozygotes.

Submission:

Labcorp Genetics (formerly Invitae), Labcorp
Classification: Uncertain significance for Retinoblastoma. Last evaluated: 2024-04-03. Review status: criteria provided, single submitter. Criteria: Invitae Variant Classification Sherloc (09022015). Collection method: clinical testing. Allele origin: germline.
Comment: This sequence change replaces histidine, which is basic and polar, with arginine, which is basic and polar, at codon 69 of the RB1 protein (p.His69Arg). This variant is not present in population databases (gnomAD no frequency). This variant has not been reported in the literature in individuals affected with RB1-related conditions. ClinVar contains an entry for this variant (Variation ID: 1044909). Advanced modeling of protein sequence and biophysical properties (such as structural, functional, and spatial information, amino acid conservation, physicochemical variation, residue mobility, and thermodynamic stability) performed at Invitae indicates that this missense variant is not expected to disrupt RB1 protein function with a negative predictive value of 80%. In summary, the available evidence is currently insufficient to determine the role of this variant in disease. Therefore, it has been classified as a Variant of Uncertain Significance.

NM_000321.3(RB1):c.206A>G (p.His69Arg)

Gene: RB1 (RB transcriptional corepressor 1; plus strand). Cytogenetic location: 13q14.2.
Variant type: single nucleotide variant.
Coding change: c.206A>G on transcript NM_000321.3 (MANE Select); coding-DNA position 206, A replaced by G.
Protein change: p.His69Arg; replaces histidine 69 with arginine.
Molecular consequence: missense variant.
Genome position (GRCh38, 1-based): chr13:48,307,348, A>G. VCF-style: chr13-48307348-A-G. GRCh37 (hg19) VCF-style: chr13-48881484-A-G.
Other names: short protein forms H69R.
Identifiers: ClinVar variation 1044909 (VCV001044909.8), dbSNP rs776591592, ClinGen allele CA033894.